The following is an entry in ClinVar:

NM_201384.3(PLEC):c.3134C>T (p.Ala1045Val)

Gene: PLEC (plectin; minus strand). Cytogenetic location: 8q24.3.
Variant type: single nucleotide variant.
Coding change: c.3134C>T on transcript NM_201384.3 (MANE Select); coding-DNA position 3134, C replaced by T.
Protein change: p.Ala1045Val; replaces alanine 1045 with valine.
Molecular consequence: missense variant.
Genome position (GRCh38, 1-based): chr8:143,929,229, G>A on the plus strand (C>T on the coding strand, the complement: PLEC is on the minus strand). VCF-style: chr8-143929229-G-A. GRCh37 (hg19) VCF-style: chr8-145003397-G-A.
Other names: c.3215C>T, p.Ala1072Val (NM_000445.5, NM_001410941.1); c.3092C>T, p.Ala1031Val (NM_201378.4); c.3068C>T, p.Ala1023Val (NM_201379.3); c.3545C>T, p.Ala1182Val (NM_201380.4); c.3038C>T, p.Ala1013Val (NM_201381.3); c.3134C>T, p.Ala1045Val (NM_201382.4); c.3146C>T, p.Ala1049Val (NM_201383.3); short protein forms A1013V, A1023V, A1031V, A1045V, A1049V, A1072V, A1182V.
Identifiers: ClinVar variation 2434994 (VCV002434994.6), dbSNP rs782571566, ClinGen allele CA4927196.

ClinVar aggregate classification (germline): Uncertain significance. Review status: criteria provided, multiple submitters, no conflicts (2 of 4 stars). 3 submissions from 3 submitters: Uncertain significance (3). Last evaluated 2025-05-21.

Conditions:
Epidermolysis bullosa simplex 5B, with muscular dystrophy (EBS5B). Also called: EPIDERMOLYSIS BULLOSA SIMPLEX AND LIMB-GIRDLE MUSCULAR DYSTROPHY; Epidermolysis bullosa simplex with muscular dystrophy. Identifiers: Orphanet 257, MedGen C2931072, MONDO:0009181, OMIM 226670.
Epidermolysis bullosa simplex with nail dystrophy (EBS5D). Identifiers: MedGen C4225309, MONDO:0014661, OMIM 616487.
Epidermolysis bullosa simplex 5C, with pyloric atresia (EBS5C). Also called: PLEC-Related Epidermolysis Bullosa with Pyloric Atresia; Epidermolysis bullosa simplex with pyloric atresia; PLEC1-Related Epidermolysis Bullosa with Pyloric Atresia. Identifiers: Orphanet 158684, MedGen C2677349, MONDO:0012807, OMIM 612138.
Autosomal recessive limb-girdle muscular dystrophy type 2Q (LGMDR17). Also called: MUSCULAR DYSTROPHY, LIMB-GIRDLE, AUTOSOMAL RECESSIVE 17. Identifiers: Orphanet 254361, MedGen C3150989, MONDO:0013390, OMIM 613723.
Epidermolysis bullosa simplex, Ogna type (EBS5A). Also called: EPIDERMOLYSIS BULLOSA SIMPLEX 5A, OGNA TYPE; Pidermolysis bullosa simplex 5A, Ogna type. Identifiers: Orphanet 79401, MedGen C0432317, MONDO:0007555, OMIM 131950.
Inborn genetic diseases. Identifiers: MedGen C0950123, MeSH D030342.

Allele frequency attached by ClinVar (database versions not stated): gnomAD exomes below 0.00001; ExAC 0.00001.
gnomAD v4.1: 3 of 1,602,550 alleles (0.00019%); highest among the groups gnomAD compares: Middle Eastern, 0.017%; no homozygotes.

Submissions (3):

Labcorp Genetics (formerly Invitae), Labcorp
Classification: Uncertain significance for Autosomal recessive limb-girdle muscular dystrophy type 2Q; Epidermolysis bullosa simplex, Ogna type; Epidermolysis bullosa simplex with nail dystrophy; Epidermolysis bullosa simplex 5C, with pyloric atresia; Epidermolysis bullosa simplex 5B, with muscular dystrophy. Last evaluated: 2025-05-21. Review status: criteria provided, single submitter. Criteria: Invitae Variant Classification Sherloc (09022015). Collection method: clinical testing. Allele origin: germline.
Comment: This sequence change replaces alanine, which is neutral and non-polar, with valine, which is neutral and non-polar, at codon 1072 of the PLEC protein (p.Ala1072Val). The frequency data for this variant in the population databases is considered unreliable, as metrics indicate poor data quality at this position in the gnomAD database. This variant has not been reported in the literature in individuals affected with PLEC-related conditions. ClinVar contains an entry for this variant (Variation ID: 2434994). Invitae Evidence Modeling of protein sequence and biophysical properties (such as structural, functional, and spatial information, amino acid conservation, physicochemical variation, residue mobility, and thermodynamic stability) indicates that this missense variant is not expected to disrupt PLEC protein function with a negative predictive value of 80%. In summary, the available evidence is currently insufficient to determine the role of this variant in disease. Therefore, it has been classified as a Variant of Uncertain Significance.

Ambry Genetics
Classification: Uncertain significance for Inborn genetic diseases. Last evaluated: 2025-03-08. Review status: criteria provided, single submitter. Criteria: Ambry Variant Classification Scheme 2023. Collection method: clinical testing. Allele origin: germline.

Revvity Omics, Revvity
Classification: Uncertain significance. Last evaluated: 2019-10-29. Review status: criteria provided, single submitter. Criteria: ACMG Guidelines, 2015. Collection method: clinical testing. Allele origin: germline.